The following is an entry in ClinVar:

ClinVar aggregate classification (germline): Uncertain significance (1 of 4 stars; one submission).

Conditions:
Developmental and epileptic encephalopathy, 2 (DEE2). Also called: INFANTILE SPASM SYNDROME, X-LINKED 2; CDKL5 deficiency disorder. Identifiers: Orphanet 1934, Orphanet 3451, Orphanet 505652, MedGen C4750718, MONDO:0010396, OMIM 300672.
Angelman syndrome-like. Identifiers: MedGen CN128785.

Submission:

Labcorp Genetics (formerly Invitae), Labcorp
Classification: Uncertain significance for Developmental and epileptic encephalopathy, 2; Angelman syndrome-like. Last evaluated: 2020-01-03. Review status: criteria provided, single submitter. Criteria: Invitae Variant Classification Sherloc (09022015). Collection method: clinical testing. Allele origin: germline.
Comment: This variant results in a copy number gain of the genomic region encompassing the full coding sequence of the CDKL5 gene. The boundaries of this event are unknown as they extend beyond the assayed region for this gene and therefore may encompass additional genes. As the precise location of this event is unknown, it may be in tandem or it may be located elsewhere in the genome. Isolated whole-gene copy number gains of CDKL5 have not been reported in the literature. However, larger copy number events that include this gene have been reported (PMID: 18076117, 25315662). In summary, the available evidence is currently insufficient to determine the role of this variant in disease. Therefore, it has been classified as a Variant of Uncertain Significance.

Literature cited by the submitters: PubMed 18076117; PubMed 25315662.

NC_000023.10:g.(?_17393861)_(18671684_?)dup

Genes: BEND2 (BEN domain containing 2; minus strand), CDKL5 (cyclin dependent kinase like 5; plus strand), NHS (NHS actin remodeling regulator; plus strand), RAI2 (retinoic acid induced 2; minus strand), RS1 (retinoschisin 1; minus strand) and 2 more. Cytogenetic location: Xp22.13.
Variant type: Duplication.
Identifiers: ClinVar variation 832827 (VCV000832827.1).